The following is an entry in ClinVar:

ClinVar aggregate classification (germline): Uncertain significance (1 of 4 stars; one submission).

Conditions:
Vici syndrome (VICIS). Identifiers: Orphanet 1493, MedGen C1855772, MONDO:0009452, OMIM 242840.

gnomAD v4.1: 7 of 1,614,100 alleles (0.00043%); highest among the groups gnomAD compares: African/African-American, 0.0013%; no homozygotes.

Submission:

Labcorp Genetics (formerly Invitae), Labcorp
Classification: Uncertain significance for Vici syndrome. Last evaluated: 2025-07-22. Review status: criteria provided, single submitter. Criteria: Invitae Variant Classification Sherloc (09022015). Collection method: clinical testing. Allele origin: germline.
Comment: This sequence change replaces cysteine, which is neutral and slightly polar, with tyrosine, which is neutral and polar, at codon 187 of the EPG5 protein (p.Cys187Tyr). This variant is not present in population databases (gnomAD no frequency). This variant has not been reported in the literature in individuals affected with EPG5-related conditions. Invitae Evidence Modeling of protein sequence and biophysical properties (such as structural, functional, and spatial information, amino acid conservation, physicochemical variation, residue mobility, and thermodynamic stability) indicates that this missense variant is not expected to disrupt EPG5 protein function with a negative predictive value of 80%. In summary, the available evidence is currently insufficient to determine the role of this variant in disease. Therefore, it has been classified as a Variant of Uncertain Significance.

NM_020964.3(EPG5):c.560G>A (p.Cys187Tyr)

Gene: EPG5 (ectopic P-granules 5 autophagy tethering factor; minus strand). Cytogenetic location: 18q21.1.
Variant type: single nucleotide variant.
Coding change: c.560G>A on transcript NM_020964.3 (MANE Select); coding-DNA position 560, G replaced by A.
Protein change: p.Cys187Tyr; replaces cysteine 187 with tyrosine.
Molecular consequence: missense variant.
Genome position (GRCh38, 1-based): chr18:45,954,842, C>T on the plus strand (G>A on the coding strand, the complement: EPG5 is on the minus strand). VCF-style: chr18-45954842-C-T. GRCh37 (hg19) VCF-style: chr18-43534808-C-T.
Other names: c.560G>A, p.Cys187Tyr (NM_001410858.1, NM_001410859.1); short protein forms C187Y.
Identifiers: ClinVar variation 4750647 (VCV004750647.1).